The following is an entry in ClinVar:

NM_004360.5(CDH1):c.2471C>A (p.Ala824Asp)

Gene: CDH1 (cadherin 1; plus strand). Cytogenetic location: 16q22.1.
Variant type: single nucleotide variant.
Coding change: c.2471C>A on transcript NM_004360.5 (MANE Select); coding-DNA position 2471, C replaced by A.
Protein change: p.Ala824Asp; replaces alanine 824 with aspartic acid.
Molecular consequence: missense variant.
Genome position (GRCh38, 1-based): chr16:68,833,321, C>A. VCF-style: chr16-68833321-C-A. GRCh37 (hg19) VCF-style: chr16-68867224-C-A.
Other names: c.2471C>A (LRG_301t1); c.2288C>A, p.Ala763Asp (NM_001317184.2); c.923C>A, p.Ala308Asp (NM_001317185.2); c.506C>A, p.Ala169Asp (NM_001317186.2); short protein forms A824D, A169D, A308D, A763D.
Identifiers: ClinVar variation 463764 (VCV000463764.10), dbSNP rs1450920019, ClinGen allele CA396472043.
Genomic context (GRCh38, chr16:68,833,321, plus strand): 5'-AAAAGATGCTTTTGTCCCTTCTTCTTTAGAATCTGAAAGCGGCTGATACTGACCCCACAG[C>A]CCCGCCTTATGATTCTCTGCTCGTGTTTGACTATGAAGGAAGCGGTTCCGAAGCTGCTAG-3'
Protein context (NP_004351.1, residues 814-834): NLKAADTDPT[Ala824Asp]PPYDSLLVFD

ClinVar aggregate classification (germline): Uncertain significance. Review status: criteria provided, multiple submitters, no conflicts (2 of 4 stars). 2 submissions from 2 submitters: Uncertain significance (2). Last evaluated 2026-01-10.

Conditions:
Hereditary cancer-predisposing syndrome. Also called: Hereditary neoplastic syndrome; Neoplastic Syndromes, Hereditary; Tumor predisposition; Hereditary Cancer Syndrome. Identifiers: Orphanet 140162, MedGen C0027672, MeSH D009386, MONDO:0015356.
Hereditary diffuse gastric adenocarcinoma (HDGC). Also called: DIFFUSE GASTRIC AND LOBULAR BREAST CANCER SYNDROME. Identifiers: Orphanet 26106, MedGen C1708349, MONDO:0007648, OMIM 137215.

Submissions (2):

Labcorp Genetics (formerly Invitae), Labcorp
Classification: Uncertain significance for Hereditary diffuse gastric adenocarcinoma. Last evaluated: 2026-01-10. Review status: criteria provided, single submitter. Criteria: Invitae Variant Classification Sherloc (09022015). Collection method: clinical testing. Allele origin: germline.
Comment: This sequence change replaces alanine, which is neutral and non-polar, with aspartic acid, which is acidic and polar, at codon 824 of the CDH1 protein (p.Ala824Asp). This variant is not present in population databases (gnomAD no frequency). This variant has not been reported in the literature in individuals affected with CDH1-related conditions. ClinVar contains an entry for this variant (Variation ID: 463764). An algorithm developed to predict the effect of missense changes on protein structure and function (PolyPhen-2) suggests that this variant is likely to be disruptive. In summary, the available evidence is currently insufficient to determine the role of this variant in disease. Therefore, it has been classified as a Variant of Uncertain Significance.

Ambry Genetics
Classification: Uncertain significance for Hereditary cancer-predisposing syndrome. Last evaluated: 2023-11-01. Review status: criteria provided, single submitter. Criteria: Ambry Variant Classification Scheme 2023. Collection method: clinical testing. Allele origin: germline.
Comment: The p.A824D variant (also known as c.2471C>A), located in coding exon 16 of the CDH1 gene, results from a C to A substitution at nucleotide position 2471. The alanine at codon 824 is replaced by aspartic acid, an amino acid with dissimilar properties. This amino acid position is highly conserved in available vertebrate species. In addition, this alteration is predicted to be deleterious by in silico analysis. Since supporting evidence is limited at this time, the clinical significance of this alteration remains unclear.